The following is an entry in ClinVar:

ClinVar aggregate classification (germline): Uncertain significance (1 of 4 stars; one submission).

Submission:

Labcorp Genetics (formerly Invitae), Labcorp
Classification: Uncertain significance. Last evaluated: 2024-03-07. Review status: criteria provided, single submitter. Criteria: Invitae Variant Classification Sherloc (09022015). Collection method: clinical testing. Allele origin: germline.
Comment: This sequence change replaces valine, which is neutral and non-polar, with leucine, which is neutral and non-polar, at codon 891 of the AP3B2 protein (p.Val891Leu). Information on the frequency of this variant in the gnomAD database is not available, as this variant may be reported differently in the database. This variant has not been reported in the literature in individuals affected with AP3B2-related conditions. Experimental studies and prediction algorithms are not available or were not evaluated, and the functional significance of this variant is currently unknown. In summary, the available evidence is currently insufficient to determine the role of this variant in disease. Therefore, it has been classified as a Variant of Uncertain Significance.

NM_001278512.2(AP3B2):c.2727_2728delinsTT (p.Val910Leu)

Genes: AP3B2 (adaptor related protein complex 3 subunit beta 2; minus strand), CPEB1-AS1 (CPEB1 antisense RNA 1; plus strand). Cytogenetic location: 15q25.2.
Variant type: Indel.
Coding change: c.2727_2728delinsTT on transcript NM_001278512.2 (MANE Select); coding-DNA positions 2727 to 2728, CG replaced by TT.
Protein change: p.Val910Leu; replaces valine 910 with leucine.
Molecular consequence: missense variant.
Genome position (GRCh38, 1-based): chr15:82,662,799-82,662,800, CG replaced by AA on the plus strand (CG replaced by TT on the coding strand, the reverse complement: AP3B2 is on the minus strand). VCF-style: chr15-82662799-CG-AA. GRCh37 (hg19) VCF-style: chr15-83331551-CG-AA.
Other names: c.2574_2575delinsTT, p.Val859Leu (NM_001278511.2); c.2670_2671delinsTT, p.Val891Leu (NM_004644.5); short protein forms V859L, V891L, V910L.
Identifiers: ClinVar variation 3699518 (VCV003699518.2).